The following is an entry in ClinVar:

NM_003105.6(SORL1):c.4324C>G (p.Arg1442Gly)

Gene: SORL1 (sortilin related receptor 1; plus strand). Cytogenetic location: 11q24.1.
Variant type: single nucleotide variant.
Coding change: c.4324C>G on transcript NM_003105.6 (MANE Select); coding-DNA position 4324, C replaced by G.
Protein change: p.Arg1442Gly; replaces arginine 1442 with glycine.
Molecular consequence: missense variant.
Genome position (GRCh38, 1-based): chr11:121,591,111, C>G. VCF-style: chr11-121591111-C-G. GRCh37 (hg19) VCF-style: chr11-121461820-C-G.
Other names: short protein forms R1442G.
Identifiers: ClinVar variation 1908203 (VCV001908203.5), dbSNP rs1469648095, ClinGen allele CA383033398.

ClinVar aggregate classification (germline): Uncertain significance (1 of 4 stars; one submission).

gnomAD v4.1: 3 of 1,614,070 alleles (0.00019%); highest among the groups gnomAD compares: Non-Finnish European, 0.00025%; no homozygotes.

Submission:

Labcorp Genetics (formerly Invitae), Labcorp
Classification: Uncertain significance. Last evaluated: 2022-06-24. Review status: criteria provided, single submitter. Criteria: Invitae Variant Classification Sherloc (09022015). Collection method: clinical testing. Allele origin: germline.
Comment: In summary, the available evidence is currently insufficient to determine the role of this variant in disease. Therefore, it has been classified as a Variant of Uncertain Significance. This sequence change replaces arginine, which is basic and polar, with glycine, which is neutral and non-polar, at codon 1442 of the SORL1 protein (p.Arg1442Gly). This variant is not present in population databases (gnomAD no frequency). This variant has not been reported in the literature in individuals affected with SORL1-related conditions. Algorithms developed to predict the effect of missense changes on protein structure and function are either unavailable or do not agree on the potential impact of this missense change (SIFT: "Deleterious"; PolyPhen-2: "Benign"; Align-GVGD: "Class C0").